The following is an entry in ClinVar:

ClinVar aggregate classification (germline): Uncertain significance (1 of 4 stars; one submission).

Submission:

GeneDx
Classification: Uncertain significance. Last evaluated: 2024-12-03. Review status: criteria provided, single submitter. Criteria: GeneDx Variant Classification Process June 2021. Collection method: clinical testing. Allele origin: germline. Affected: yes.
Comment: Has not been previously published as pathogenic or benign to our knowledge; Not observed at significant frequency in large population cohorts (gnomAD); In silico analysis supports that this missense variant has a deleterious effect on protein structure/function

NM_001363.5(DKC1):c.1054A>C (p.Thr352Pro)

Gene: DKC1 (dyskerin pseudouridine synthase 1; plus strand). Cytogenetic location: Xq28.
Variant type: single nucleotide variant.
Coding change: c.1054A>C on transcript NM_001363.5 (MANE Select); coding-DNA position 1054, A replaced by C.
Protein change: p.Thr352Pro; replaces threonine 352 with proline.
Molecular consequence: missense variant. On other transcripts: non-coding transcript variant (3).
Genome position (GRCh38, 1-based): chrX:154,773,148, A>C. VCF-style: chrX-154773148-A-C. GRCh37 (hg19) VCF-style: chrX-154001423-A-C.
Other names: c.1054A>C, p.Thr352Pro (NM_001142463.3, NM_001288747.2); short protein forms T352P.
Identifiers: ClinVar variation 3901788 (VCV003901788.1).